The following is an entry in ClinVar:

ClinVar aggregate classification (germline): Likely pathogenic (1 of 4 stars; one submission).

Conditions:
Intellectual developmental disorder, autosomal dominant 73 (MRD73). Also called: TAF4-RELATED NDD; TAF4-RELATED NEURODEVELOPMENTAL DISORDER. Identifiers: MedGen C5830636, MONDO:0957536, OMIM 620450.

Submission:

Pittsburgh Clinical Genomics Laboratory, University of Pittsburgh Medical Center
Classification: Likely pathogenic for Intellectual developmental disorder, autosomal dominant 73. Last evaluated: 2024-04-11. Review status: criteria provided, single submitter. Criteria: ACMG Guidelines, 2015. Collection method: clinical testing. Allele origin: germline. Inheritance: Autosomal dominant inheritance. Affected: yes.
Comment: This sequence variant is an eleven nucleotide deletion in exon 1 of 15 of the TAF4 gene and results in an early termination signal 188 amino acids downstream of the frameshift introduced at codon 270. Though this variant was observed by NGS, it could not be confirmed via Sanger sequencing due to high GC content of TAF4 exon 1. This variant is predicted to generate a non-functional allele through either the expression of a truncated protein or a loss of TATA-box binding protein associated factor 4 expression due to nonsense mediated decay. This variant is absent from ClinVar and has not been observed in an individual affected by a TAF4-related disorder in the published literature, to our knowledge. This variant is absent from the gnomAD v4.0.0 population database (0 of approximately 100,000 alleles), however this allele frequency estimate may not be reliable due to the difficulty in sequencing this region. Haploinsufficiency in TAF4 is a known mechanism of disease (PMID: 35904126). Based upon the evidence, we consider this a likely pathogenic variant. ACMG Criteria: PM2, PVS1

Literature cited by the submitters: PubMed 35904126.

NM_003185.4(TAF4):c.808_818del (p.Pro270fs)

Gene: TAF4 (TATA-box binding protein associated factor 4; minus strand). Cytogenetic location: 20q13.33.
Variant type: Deletion.
Coding change: c.808_818del on transcript NM_003185.4 (MANE Select); coding-DNA positions 808 to 818, 11 bases deleted (CCGCCCCCGCC).
Protein change: p.Pro270fs; shifts the reading frame from proline 270.
Molecular consequence: frameshift variant.
Genome position (GRCh38, 1-based): chr20:62,064,993-62,065,003, GGCGGGGGCGG deleted on the plus strand (CCGCCCCCGCC on the coding strand, the reverse complement: TAF4 is on the minus strand); deleting any 11 consecutive bases within chr20:62,064,993-62,065,008 gives the same sequence; the c. name uses the placement nearest the transcript's 3' end. VCF-style (leftmost placement, unchanged base first): chr20-62064992-TGGCGGGGGCGG-T. GRCh37 (hg19) VCF-style: chr20-60640048-TGGCGGGGGCGG-T.
Other names: short protein forms P270fs.
Identifiers: ClinVar variation 3376435 (VCV003376435.1).